The following is an entry in ClinVar:

ClinVar aggregate classification (germline): Uncertain significance. Review status: criteria provided, multiple submitters, no conflicts (2 of 4 stars). 3 submissions from 3 submitters: Uncertain significance (3). Last evaluated 2024-07-13.

Conditions:
Charcot-Marie-Tooth disease type 4. Also called: Charcot-Marie-Tooth disease, type IV; Charcot-Marie-Tooth, Type 4. Identifiers: Orphanet 64749, MedGen C4082197, MONDO:0018995.
Inborn genetic diseases. Identifiers: MedGen C0950123, MeSH D030342.

Allele frequency attached by ClinVar (database versions not stated): gnomAD 0.00001; gnomAD exomes 0.00001; TOPMed 0.00001.
gnomAD v4.1: 11 of 1,613,980 alleles (0.00068%); highest among the groups gnomAD compares: Non-Finnish European, 0.00093%; no homozygotes.

Submissions (3):

GeneDx
Classification: Uncertain significance. Last evaluated: 2024-07-13. Review status: criteria provided, single submitter. Criteria: GeneDx Variant Classification Process June 2021. Collection method: clinical testing. Allele origin: germline. Affected: yes.
Comment: Not observed at significant frequency in large population cohorts (gnomAD); In silico analysis indicates that this missense variant does not alter protein structure/function; Has not been previously published as pathogenic or benign to our knowledge; This variant is associated with the following publications: (PMID: 22734899)

Ambry Genetics
Classification: Uncertain significance for Inborn genetic diseases. Last evaluated: 2024-06-17. Review status: criteria provided, single submitter. Criteria: Ambry Variant Classification Scheme 2023. Collection method: clinical testing. Allele origin: germline.

Labcorp Genetics (formerly Invitae), Labcorp
Classification: Uncertain significance for Charcot-Marie-Tooth disease type 4. Last evaluated: 2021-12-24. Review status: criteria provided, single submitter. Criteria: Invitae Variant Classification Sherloc (09022015). Collection method: clinical testing. Allele origin: germline.
Comment: This sequence change replaces methionine, which is neutral and non-polar, with isoleucine, which is neutral and non-polar, at codon 249 of the FGD4 protein (p.Met249Ile). This variant is present in population databases (no rsID available, gnomAD 0.0009%). This variant has not been reported in the literature in individuals affected with FGD4-related conditions. Algorithms developed to predict the effect of missense changes on protein structure and function (SIFT, PolyPhen-2, Align-GVGD) all suggest that this variant is likely to be tolerated. In summary, the available evidence is currently insufficient to determine the role of this variant in disease. Therefore, it has been classified as a Variant of Uncertain Significance.

NM_001370298.3(FGD4):c.1158G>A (p.Met386Ile)

Gene: FGD4 (FYVE, RhoGEF and PH domain containing 4; plus strand). Cytogenetic location: 12p11.21.
Variant type: single nucleotide variant.
Coding change: c.1158G>A on transcript NM_001370298.3 (MANE Select); coding-DNA position 1158, G replaced by A.
Protein change: p.Met386Ile; replaces methionine 386 with isoleucine.
Molecular consequence: missense variant. On other transcripts: initiator codon variant (1), 5 prime UTR variant (1).
Genome position (GRCh38, 1-based): chr12:32,601,334, G>A. VCF-style: chr12-32601334-G-A. GRCh37 (hg19) VCF-style: chr12-32754268-G-A.
Other names: c.1002G>A, p.Met334Ile (NM_001304481.2); c.3G>A, p.Met1Ile (NM_001304483.2); c.-305G>A (NM_001304484.2); c.468G>A, p.Met156Ile (NM_001330373.2, NM_001330374.2, NM_001384130.1); c.195G>A, p.Met65Ile (NM_001370297.1); c.1158G>A, p.Met386Ile (NM_001384126.1); c.747G>A, p.Met249Ile (NM_001384127.1, NM_001384128.1, NM_001385118.1 and 1 more transcripts); short protein forms M156I, M249I, M65I, M1I, M334I, M386I.
Identifiers: ClinVar variation 1759097 (VCV001759097.7), dbSNP rs1335886616, ClinGen allele CA384358114.
Genomic context (GRCh38, chr12:32,601,334, plus strand): 5'-TCAGGTATTTTATTGCAAACTGTTGGAAGAAGCAAACCGAGGCTCGTTTCCAGCAGAGAT[G>A]GTGAATAAAATCTTTTCTAATATTTCATCAATAAATGCCTTCCATAGTAAATTCCTCTTG-3'
Protein context (NP_001357227.2, residues 376-396): EANRGSFPAE[Met386Ile]VNKIFSNISS